The following is an entry in ClinVar:

ClinVar aggregate classification (germline): Likely benign. Review status: criteria provided, multiple submitters, no conflicts (2 of 4 stars). 3 submissions from 3 submitters: Likely benign (3). Last evaluated 2026-07-01.

Allele frequency attached by ClinVar (database versions not stated): gnomAD exomes 0.00005 and 0.00012; ExAC 0.00007; gnomAD 0.00009; TOPMed 0.00015.
gnomAD v4.1: 137 of 1,614,086 alleles (0.0085%); highest among the groups gnomAD compares: East Asian, 0.078%; 2 homozygotes.

Submissions (3):

CeGaT Center for Human Genetics Tuebingen
Classification: Likely benign. Last evaluated: 2026-07-01. Review status: criteria provided, single submitter. Criteria: CeGaT Center For Human Genetics Tuebingen Variant Classification Criteria Version 2. Collection method: clinical testing. Allele origin: germline. Affected: yes. Observed: 1 variant allele.
Comment: RBBP8: BP4, BP7

Labcorp Genetics (formerly Invitae), Labcorp
Classification: Likely benign. Last evaluated: 2025-12-31. Review status: criteria provided, single submitter. Criteria: Invitae Variant Classification Sherloc (09022015). Collection method: clinical testing. Allele origin: germline.

Blueprint Genetics
Classification: Likely benign. Last evaluated: 2024-10-09. Review status: criteria provided, single submitter. Criteria: ACMG Guidelines, 2015. Collection method: clinical testing. Allele origin: germline.

NM_002894.3(RBBP8):c.1632G>A (p.Thr544=)

Gene: RBBP8 (RB binding protein 8, endonuclease; plus strand). Cytogenetic location: 18q11.2.
Variant type: single nucleotide variant.
Coding change: c.1632G>A on transcript NM_002894.3 (MANE Select); coding-DNA position 1632, G replaced by A.
Protein change: p.Thr544=; no amino-acid change (threonine 544 retained).
Molecular consequence: synonymous variant.
Genome position (GRCh38, 1-based): chr18:22,993,459, G>A. VCF-style: chr18-22993459-G-A. GRCh37 (hg19) VCF-style: chr18-20573422-G-A.
Other names: c.1632G>A, p.Thr544= (NM_203291.2, NM_203292.2).
Identifiers: ClinVar variation 326228 (VCV000326228.12), dbSNP rs371151302, ClinGen allele CA8910105.
Genomic context (GRCh38, chr18:22,993,459, plus strand): 5'-TTTGAAGACCATTCCAAAGGGCTTTTCCTCAAGCCGTAAGGCCTCAGATGGCAACTGCAC[G>A]TTGCCCAAAGATTCCCCAGGGGAGCCCTGTTCACAGGAATGCATCATCCTTCAGCCCTTG-3'
Protein context (NP_002885.1, residues 534-554): SSRKASDGNC[Thr544=]LPKDSPGEPC